The following is an entry in ClinVar:

ClinVar aggregate classification (germline): Pathogenic/Likely pathogenic. Review status: criteria provided, multiple submitters, no conflicts (2 of 4 stars). 2 submissions from 2 submitters: Pathogenic (1); Likely pathogenic (1). Last evaluated 2024-07-05.

Conditions:
Cerebral cavernous malformation (CCM). Also called: Cerebral cavernous hemangioma (type); CAVERNOUS ANGIOMA, FAMILIAL; CAVERNOUS ANGIOMATOUS MALFORMATIONS; CEREBRAL CAPILLARY MALFORMATIONS; Cerebral cavernous malformations; Cavernous Hemangioma of Brain. Identifiers: Orphanet 221061, MedGen C2919945, MONDO:0000820, OMIM 116860, HP:0033522.
KRIT1-related disorder. Also called: KRIT1-related condition; KRIT1-related disorders.

Submissions (2):

Labcorp Genetics (formerly Invitae), Labcorp
Classification: Pathogenic for Cerebral cavernous malformation. Last evaluated: 2024-07-05. Review status: criteria provided, single submitter. Criteria: Invitae Variant Classification Sherloc (09022015). Collection method: clinical testing. Allele origin: germline.
Comment: This sequence change creates a premature translational stop signal (p.His326Metfs*15) in the KRIT1 gene. It is expected to result in an absent or disrupted protein product. Loss-of-function variants in KRIT1 are known to be pathogenic (PMID: 10508515, 11222804, 12404106, 24689081). This variant is not present in population databases (gnomAD no frequency). This variant has not been reported in the literature in individuals affected with KRIT1-related conditions. For these reasons, this variant has been classified as Pathogenic.

Blueprint Genetics
Classification: Likely pathogenic for KRIT1-related disorders. Last evaluated: 2020-01-16. Review status: criteria provided, single submitter. Criteria: ACMG Guidelines, 2015. Collection method: clinical testing. Allele origin: germline. Affected: yes. Observed: 1 variant allele.

Literature cited by the submitters: PubMed 10508515 (cited by Labcorp Genetics (formerly Invitae), Labcorp); PubMed 11222804 (cited by Labcorp Genetics (formerly Invitae), Labcorp); PubMed 12404106 (cited by Labcorp Genetics (formerly Invitae), Labcorp); PubMed 24689081 (cited by Labcorp Genetics (formerly Invitae), Labcorp).

NM_194454.3(KRIT1):c.976_979del (p.His326fs)

Gene: KRIT1 (KRIT1 ankyrin repeat containing; minus strand). Cytogenetic location: 7q21.2.
Variant type: Microsatellite.
Coding change: c.976_979del on transcript NM_194454.3 (MANE Select); coding-DNA positions 976 to 979, 4 bases deleted (CATT; older notation c.976_979delCATT).
Protein change: p.His326fs; shifts the reading frame from histidine 326.
Molecular consequence: frameshift variant. On other transcripts: intron variant (3).
Genome position (GRCh38, 1-based): chr7:92,234,459-92,234,462, AATG deleted on the plus strand (CATT on the coding strand, the reverse complement: KRIT1 is on the minus strand); deleting any 4 consecutive bases within chr7:92,234,459-92,234,466 gives the same sequence; the c. name uses the placement nearest the transcript's 3' end. VCF-style (leftmost placement, unchanged base first): chr7-92234458-TAATG-T. GRCh37 (hg19) VCF-style: chr7-91863772-TAATG-T.
Other names: c.262_265del, p.His88fs (NM_001350671.1); c.976_979del, p.His326fs (NM_001350672.1, NM_001350673.1, NM_001350674.1 and 26 more transcripts); c.845+346_845+349del (NM_001350669.1, NM_001013406.2, NM_001350670.1); short protein forms H326fs, H88fs.
Identifiers: ClinVar variation 3658813 (VCV003658813.3).